The following is an entry in ClinVar:

ClinVar aggregate classification (germline): Uncertain significance (1 of 4 stars; one submission).

gnomAD v4.1: 5 of 1,597,570 alleles (0.00031%); highest among the groups gnomAD compares: Non-Finnish European, 0.00034%; no homozygotes.

Submission:

Ambry Genetics
Classification: Uncertain significance. Last evaluated: 2025-02-28. Review status: criteria provided, single submitter. Criteria: Ambry Variant Classification Scheme 2023. Collection method: clinical testing. Allele origin: germline.
Comment: The p.T1246I variant (also known as c.3737C>T), located in coding exon 13 of the CDK12 gene, results from a C to T substitution at nucleotide position 3737. The threonine at codon 1246 is replaced by isoleucine, an amino acid with similar properties. This amino acid position is conserved. In addition, this alteration is predicted to be tolerated by in silico analysis. Based on the available evidence, the clinical significance of this variant remains unclear.

NM_016507.4(CDK12):c.3737C>T (p.Thr1246Ile)

Gene: CDK12 (cyclin dependent kinase 12; plus strand). Cytogenetic location: 17q12.
Variant type: single nucleotide variant.
Coding change: c.3737C>T on transcript NM_016507.4 (MANE Select); coding-DNA position 3737, C replaced by T.
Protein change: p.Thr1246Ile; replaces threonine 1246 with isoleucine.
Molecular consequence: missense variant.
Genome position (GRCh38, 1-based): chr17:39,526,293, C>T. VCF-style: chr17-39526293-C-T. GRCh37 (hg19) VCF-style: chr17-37682546-C-T.
Other names: c.3737C>T, p.Thr1246Ile (NM_015083.4); short protein forms T1246I.
Identifiers: ClinVar variation 3830724 (VCV003830724.1).